The following is an entry in ClinVar:

NM_000053.4(ATP7B):c.1812C>T (p.Ala604=)

Gene: ATP7B (ATPase copper transporting beta; minus strand). Cytogenetic location: 13q14.3.
Variant type: single nucleotide variant.
Coding change: c.1812C>T on transcript NM_000053.4 (MANE Select); coding-DNA position 1812, C replaced by T.
Protein change: p.Ala604=; no amino-acid change (alanine 604 retained).
Molecular consequence: synonymous variant. On other transcripts: intron variant (3).
Genome position (GRCh38, 1-based): chr13:51,964,929, G>A on the plus strand (C>T on the coding strand, the complement: ATP7B is on the minus strand). VCF-style: chr13-51964929-G-A. GRCh37 (hg19) VCF-style: chr13-52539065-G-A.
Other names: c.1812C>T, p.Ala604= (NM_001005918.3, NM_001330578.2, NM_001330579.2 and 24 more transcripts); c.1479C>T, p.Ala493= (NM_001243182.2); c.1779C>T, p.Ala593= (NM_001406514.1, NM_001406524.1); c.1716C>T, p.Ala572= (NM_001406517.1, NM_001406518.1, NM_001406530.1 and 3 more transcripts); c.1383C>T, p.Ala461= (NM_001406539.1); c.1285+9006C>T (NM_001406548.1); c.1707+3515C>T (NM_001406547.1, NM_001406545.1).
Identifiers: ClinVar variation 3072536 (VCV003072536.2), dbSNP rs2547752886, ClinGen allele CA483896481.
Genomic context (GRCh38, chr13:51,964,929, plus strand): 5'-TACCTCAATAATTTTGATAATATCCCGTGGACCGATAATTTCCGGGTCAAACTTAACAAG[G>A]GCTTTGCTGGTGGCAAGGGCAACGGAGGCATAAGTGATGCCATTTGTCCTCGTGAGTTTG-3'
Protein context (NP_000044.2, residues 594-614): YASVALATSK[Ala604=]LVKFDPEIIG

ClinVar aggregate classification (germline): Likely benign. Review status: criteria provided, multiple submitters, no conflicts (2 of 4 stars). 2 submissions from 2 submitters: Likely benign (2). Last evaluated 2025-04-11.

Conditions:
Wilson disease (WND). Also called: Wilson's disease. Identifiers: Orphanet 905, MedGen C0019202, MONDO:0010200, OMIM 277900. Disease mechanism: loss of function.

Submissions (2):

Labcorp Genetics (formerly Invitae), Labcorp
Classification: Likely benign for Wilson disease. Last evaluated: 2025-04-11. Review status: criteria provided, single submitter. Criteria: Invitae Variant Classification Sherloc (09022015). Collection method: clinical testing. Allele origin: germline.

All of Us Research Program, National Institutes of Health
Classification: Likely benign for Wilson disease. Last evaluated: 2023-10-23. Review status: criteria provided, single submitter. Criteria: ACMG Guidelines, 2015. Collection method: clinical testing. Allele origin: germline. Inheritance: Autosomal recessive inheritance. Observed: 2 variant alleles, 2 heterozygotes.
Comment: This study involves interpretation of variants in research participants for the purpose of population health screening. Participant phenotype was not available at the time of variant classification. Additional details can be found in publication PMID: 35346344, PMCID: PMC8962531